The following is an entry in ClinVar:

ClinVar aggregate classification (germline): Benign/Likely benign. Review status: criteria provided, multiple submitters, no conflicts (2 of 4 stars). 4 submissions from 4 submitters: Benign (1); Likely benign (2). 1 of the submissions does not count toward it. Last evaluated 2026-01-28.

Conditions:
POR-related disorder. Also called: POR-related condition.
Congenital adrenal hyperplasia due to cytochrome P450 oxidoreductase deficiency. Also called: DISORDERED STEROIDOGENESIS DUE TO POR DEFICIENCY. Identifiers: Orphanet 95699, MedGen C1860042, MONDO:0013310, OMIM 613571.

Allele frequency attached by ClinVar (database versions not stated): gnomAD 0.00010; TOPMed 0.00020; gnomAD exomes 0.00057; ExAC 0.00073.
gnomAD v4.1: 165 of 1,589,152 alleles (0.01%); highest among the groups gnomAD compares: Admixed American, 0.26%; 1 homozygote.

Submissions (4):

Labcorp Genetics (formerly Invitae), Labcorp
Classification: Benign for Congenital adrenal hyperplasia due to cytochrome P450 oxidoreductase deficiency. Last evaluated: 2026-01-28. Review status: criteria provided, single submitter. Criteria: Invitae Variant Classification Sherloc (09022015). Collection method: clinical testing. Allele origin: germline.

ARUP Laboratories, Molecular Genetics and Genomics, ARUP Laboratories
Classification: Likely benign. Last evaluated: 2023-09-20. Review status: criteria provided, single submitter. Criteria: ARUP Molecular Germline Variant Investigation Process 2024. Collection method: clinical testing. Allele origin: germline.

Blueprint Genetics
Classification: Likely benign. Last evaluated: 2023-07-12. Review status: criteria provided, single submitter. Criteria: ACMG Guidelines, 2015. Collection method: clinical testing. Allele origin: germline.

PreventionGenetics, part of Exact Sciences
Classification: Likely benign for POR-related condition. Last evaluated: 2022-10-18. Review status: no assertion criteria provided. Collection method: clinical testing. Allele origin: germline. Not counted in ClinVar's aggregate classification.
Comment: This variant is classified as likely benign based on ACMG/AMP sequence variant interpretation guidelines (Richards et al. 2015 PMID: 25741868, with internal and published modifications).

NM_001395413.1(POR):c.1509C>T (p.Asn503=)

Gene: POR (cytochrome p450 oxidoreductase; plus strand). Cytogenetic location: 7q11.23.
Variant type: single nucleotide variant.
Coding change: c.1509C>T on transcript NM_001395413.1 (MANE Select); coding-DNA position 1509, C replaced by T.
Protein change: p.Asn503=; no amino-acid change (asparagine 503 retained).
Molecular consequence: synonymous variant.
Genome position (GRCh38, 1-based): chr7:75,985,698, C>T. VCF-style: chr7-75985698-C-T. GRCh37 (hg19) VCF-style: chr7-75615016-C-T.
Other names: c.1509C>T, p.Asn503= (NM_001367562.3, NM_001382657.2, NM_001382658.3 and 1 more transcripts); c.1563C>T, p.Asn521= (NM_001382655.3); c.1359C>T, p.Asn453= (NM_001382662.3).
Identifiers: ClinVar variation 707444 (VCV000707444.21), dbSNP rs782397055, ClinGen allele CA4304172.